The following is an entry in ClinVar:

ClinVar aggregate classification (germline): Conflicting classifications of pathogenicity. Review status: criteria provided, conflicting classifications (1 of 4 stars). 2 submissions from 2 submitters: Uncertain significance (1); Likely benign (1). Last evaluated 2025-05-20.

Conditions:
Inborn genetic diseases. Identifiers: MedGen C0950123, MeSH D030342.

Allele frequency attached by ClinVar (database versions not stated): gnomAD 0.00004; gnomAD exomes below 0.00001; TOPMed 0.00002.
gnomAD v4.1: 9 of 1,593,784 alleles (0.00056%); highest among the groups gnomAD compares: African/African-American, 0.011%; no homozygotes.

Submissions (2):

Ambry Genetics
Classification: Likely benign for Inborn genetic diseases. Last evaluated: 2025-05-20. Review status: criteria provided, single submitter. Criteria: Ambry Variant Classification Scheme 2023. Collection method: clinical testing. Allele origin: germline.

Labcorp Genetics (formerly Invitae), Labcorp
Classification: Uncertain significance. Last evaluated: 2022-06-07. Review status: criteria provided, single submitter. Criteria: Invitae Variant Classification Sherloc (09022015). Collection method: clinical testing. Allele origin: germline.
Comment: This sequence change replaces phenylalanine, which is neutral and non-polar, with valine, which is neutral and non-polar, at codon 1160 of the VPS13A protein (p.Phe1160Val). This variant is present in population databases (no rsID available, gnomAD 0.05%). This variant has not been reported in the literature in individuals affected with VPS13A-related conditions. Algorithms developed to predict the effect of missense changes on protein structure and function are either unavailable or do not agree on the potential impact of this missense change (SIFT: "Deleterious"; PolyPhen-2: "Benign"; Align-GVGD: "Class C0"). In summary, the available evidence is currently insufficient to determine the role of this variant in disease. Therefore, it has been classified as a Variant of Uncertain Significance.

NM_033305.3(VPS13A):c.3478T>G (p.Phe1160Val)

Gene: VPS13A (vacuolar protein sorting 13 homolog A; plus strand). Cytogenetic location: 9q21.2.
Variant type: single nucleotide variant.
Coding change: c.3478T>G on transcript NM_033305.3 (MANE Select); coding-DNA position 3478, T replaced by G.
Protein change: p.Phe1160Val; replaces phenylalanine 1160 with valine.
Molecular consequence: missense variant.
Genome position (GRCh38, 1-based): chr9:77,293,479, T>G. VCF-style: chr9-77293479-T-G. GRCh37 (hg19) VCF-style: chr9-79908395-T-G.
Other names: c.3361T>G, p.Phe1121Val (NM_001018037.2); c.3478T>G, p.Phe1160Val (NM_001018038.3, NM_015186.4); c.3478T>G (NM_033305.2); short protein forms F1121V, F1160V.
Identifiers: ClinVar variation 1919054 (VCV001919054.3), dbSNP rs1307114004, ClinGen allele CA373849343.